The following is an entry in ClinVar:

NM_001142800.2(EYS):c.5950G>A (p.Ala1984Thr)

Gene: EYS (EGF-like photoreceptor maintenance factor; minus strand). Cytogenetic location: 6q12.
Variant type: single nucleotide variant.
Coding change: c.5950G>A on transcript NM_001142800.2 (MANE Select); coding-DNA position 5950, G replaced by A.
Protein change: p.Ala1984Thr; replaces alanine 1984 with threonine.
Molecular consequence: missense variant.
Genome position (GRCh38, 1-based): chr6:64,388,818, C>T on the plus strand (G>A on the coding strand, the complement: EYS is on the minus strand). VCF-style: chr6-64388818-C-T. GRCh37 (hg19) VCF-style: chr6-65098711-C-T.
Other names: c.5950G>A, p.Ala1984Thr (NM_001292009.2); short protein forms A1984T.
Identifiers: ClinVar variation 966406 (VCV000966406.6), dbSNP rs574948016, ClinGen allele CA3876959.

ClinVar aggregate classification (germline): Uncertain significance. Review status: criteria provided, multiple submitters, no conflicts (2 of 4 stars). 4 submissions from 4 submitters: Uncertain significance (3). 1 of the submissions does not count toward it. Last evaluated 2024-05-06.

Conditions:
Retinitis pigmentosa 25 (RP25). Identifiers: Orphanet 791, MedGen C1864446, MONDO:0011272, OMIM 602772.
Inborn genetic diseases. Identifiers: MedGen C0950123, MeSH D030342.

Allele frequency attached by ClinVar (database versions not stated): gnomAD 0.00004 and 0.00007; TOPMed 0.00005; gnomAD exomes 0.00017; 1000 Genomes Project 0.00020; ExAC 0.00041; 1000 Genomes Project 30x 0.00047.
gnomAD v4.1: 99 of 1,524,058 alleles (0.0065%); highest among the groups gnomAD compares: South Asian, 0.065%; no homozygotes.

Submissions (4):

Ambry Genetics
Classification: Uncertain significance for Inborn genetic diseases. Last evaluated: 2024-05-06. Review status: criteria provided, single submitter. Criteria: Ambry Variant Classification Scheme 2023. Collection method: clinical testing. Allele origin: germline.

Labcorp Genetics (formerly Invitae), Labcorp
Classification: Uncertain significance. Last evaluated: 2022-10-13. Review status: criteria provided, single submitter. Criteria: Invitae Variant Classification Sherloc (09022015). Collection method: clinical testing. Allele origin: germline.
Comment: This sequence change replaces alanine, which is neutral and non-polar, with threonine, which is neutral and polar, at codon 1984 of the EYS protein (p.Ala1984Thr). This variant is present in population databases (rs574948016, gnomAD 0.09%). This variant has not been reported in the literature in individuals affected with EYS-related conditions. ClinVar contains an entry for this variant (Variation ID: 966406). Advanced modeling of protein sequence and biophysical properties (such as structural, functional, and spatial information, amino acid conservation, physicochemical variation, residue mobility, and thermodynamic stability) has been performed at Invitae for this missense variant, however the output from this modeling did not meet the statistical confidence thresholds required to predict the impact of this variant on EYS protein function. In summary, the available evidence is currently insufficient to determine the role of this variant in disease. Therefore, it has been classified as a Variant of Uncertain Significance.

Blueprint Genetics
Classification: Uncertain significance. Last evaluated: 2021-10-08. Review status: criteria provided, single submitter. Criteria: ACMG Guidelines, 2015. Collection method: clinical testing. Allele origin: germline.

Natera, Inc.
Classification: Uncertain significance for Retinitis pigmentosa type 25. Last evaluated: 2020-10-14. Review status: no assertion criteria provided. Collection method: clinical testing. Allele origin: germline. Not counted in ClinVar's aggregate classification.